The following is an entry in ClinVar:

ClinVar aggregate classification (germline): Uncertain significance (1 of 4 stars; one submission).

Conditions:
3-methylcrotonyl-CoA carboxylase 1 deficiency (MCC1D). Also called: MCC 1 deficiency; 3 Alpha methylcrotonylglycinuria 1; MCCD TYPE 1; METHYLCROTONYLGLYCINURIA TYPE I. Identifiers: Orphanet 6, MedGen CN028786, MONDO:0008861, OMIM 210200.

Submission:

Labcorp Genetics (formerly Invitae), Labcorp
Classification: Uncertain significance for 3-methylcrotonyl-CoA carboxylase 1 deficiency. Last evaluated: 2024-08-27. Review status: criteria provided, single submitter. Criteria: Invitae Variant Classification Sherloc (09022015). Collection method: clinical testing. Allele origin: germline.
Comment: This sequence change replaces methionine, which is neutral and non-polar, with valine, which is neutral and non-polar, at codon 334 of the MCCC1 protein (p.Met334Val). This variant is not present in population databases (gnomAD no frequency). This variant has not been reported in the literature in individuals affected with MCCC1-related conditions. Invitae Evidence Modeling of protein sequence and biophysical properties (such as structural, functional, and spatial information, amino acid conservation, physicochemical variation, residue mobility, and thermodynamic stability) indicates that this missense variant is expected to disrupt MCCC1 protein function with a positive predictive value of 95%. In summary, the available evidence is currently insufficient to determine the role of this variant in disease. Therefore, it has been classified as a Variant of Uncertain Significance.

NM_020166.5(MCCC1):c.1000A>G (p.Met334Val)

Gene: MCCC1 (methylcrotonyl-CoA carboxylase subunit 1; minus strand). Cytogenetic location: 3q27.1.
Variant type: single nucleotide variant.
Coding change: c.1000A>G on transcript NM_020166.5 (MANE Select); coding-DNA position 1000, A replaced by G.
Protein change: p.Met334Val; replaces methionine 334 with valine.
Molecular consequence: missense variant. On other transcripts: non-coding transcript variant (2).
Genome position (GRCh38, 1-based): chr3:183,045,496, T>C on the plus strand (A>G on the coding strand, the complement: MCCC1 is on the minus strand). VCF-style: chr3-183045496-T-C. GRCh37 (hg19) VCF-style: chr3-182763284-T-C.
Other names: c.649A>G, p.Met217Val (NM_001293273.2); c.673A>G, p.Met225Val (NM_001363880.1); short protein forms M217V, M334V, M225V.
Identifiers: ClinVar variation 3708428 (VCV003708428.2).
Genomic context (GRCh38, chr3:183,045,496, plus strand): 5'-CAGTTCCTGTGATCATCTCAGTAACAGGATGTTCCACTTGCAGCCTTGTATTCATCTCCA[T>C]GAAACAGAAATTATGTTTTGAGTCCATAATAAACTCCACAGTCCCTAAAAGGTAAAAAAC-3'
Protein context (NP_064551.3, residues 324-344): IMDSKHNFCF[Met334Val]EMNTRLQVEH